The following is an entry in ClinVar:

NM_006371.5(CRTAP):c.911C>A (p.Ala304Asp)

Gene: CRTAP (cartilage associated protein; plus strand). Cytogenetic location: 3p22.3.
Variant type: single nucleotide variant.
Coding change: c.911C>A on transcript NM_006371.5 (MANE Select); coding-DNA position 911, C replaced by A.
Protein change: p.Ala304Asp; replaces alanine 304 with aspartic acid.
Molecular consequence: missense variant. On other transcripts: intron variant (1).
Genome position (GRCh38, 1-based): chr3:33,130,056, C>A. VCF-style: chr3-33130056-C-A. GRCh37 (hg19) VCF-style: chr3-33171548-C-A.
Other names: c.911C>A, p.Ala304Asp (NM_001393363.1); c.761C>A, p.Ala254Asp (NM_001393365.1); c.794-2499C>A (NM_001393364.1); short protein forms A254D, A304D.
Identifiers: ClinVar variation 4885440 (VCV004885440.2).

ClinVar aggregate classification (germline): Uncertain significance (1 of 4 stars; one submission).

Submission:

Dasa
Classification: Uncertain significance. Last evaluated: 2025-06-26. Review status: criteria provided, single submitter. Criteria: DASA Assertion Criteria. Collection method: clinical testing. Allele origin: germline.
Comment: NM_006371.5(CRTAP):c.911C>A (p.Ala304Asp) is a missense variant that results in the substitution of alanine with aspartic acid. This variant is absent from population databases. Computational prediction algorithms are consistent with a deleterious effect. The currently available literature and clinical evidence are not sufficient to establish a definitive association between this variant and the reported condition. Therefore, this variant is classified as a variant of uncertain significance.